The following is an entry in ClinVar:

NM_024577.4(SH3TC2):c.3676-9C>T

Gene: SH3TC2 (SH3 domain and tetratricopeptide repeats 2; minus strand). Cytogenetic location: 5q32.
Variant type: single nucleotide variant.
Coding change: c.3676-9C>T on transcript NM_024577.4 (MANE Select); 9 bases into the intron before coding-DNA position 3676, C replaced by T.
Molecular consequence: intron variant.
Genome position (GRCh38, 1-based): chr5:149,004,911, G>A on the plus strand (C>T on the coding strand, the complement: SH3TC2 is on the minus strand). VCF-style: chr5-149004911-G-A. GRCh37 (hg19) VCF-style: chr5-148384474-G-A.
Identifiers: ClinVar variation 543451 (VCV000543451.10), dbSNP rs748694034, ClinGen allele CA3498649.
Genomic context (GRCh38, chr5:149,004,911, plus strand): 5'-GGACCGCTGCTGCCAGGGCCAGAAGGAAGTACTCAGTGGCATCATGGGCATCCTAACCCC[G>A]TGGTATGGGGGCAAAGAAGAGACAGCATTAGCAAACACTTCCAGGACAGGCTAGGAGGCT-3'

ClinVar aggregate classification (germline): Likely benign. Review status: criteria provided, multiple submitters, no conflicts (2 of 4 stars). 3 submissions from 3 submitters: Likely benign (3). Last evaluated 2025-08-15.

Conditions:
Charcot-Marie-Tooth disease type 4. Also called: Charcot-Marie-Tooth disease, type IV; Charcot-Marie-Tooth, Type 4. Identifiers: Orphanet 64749, MedGen C4082197, MONDO:0018995.
SH3TC2-related disorder. Also called: SH3TC2-related disorders; SH3TC2-related condition. Identifiers: MedGen CN239303.

Allele frequency attached by ClinVar (database versions not stated): ExAC 0.00001; gnomAD exomes 0.00001 and 0.00003; gnomAD 0.00005 and 0.00006; TOPMed 0.00009.
gnomAD v4.1: 37 of 1,614,146 alleles (0.0023%); highest among the groups gnomAD compares: Middle Eastern, 0.017%; no homozygotes.

Submissions (3):

PreventionGenetics, part of Exact Sciences
Classification: Likely benign for SH3TC2-related condition. Last evaluated: 2025-08-15. Review status: criteria provided, single submitter. Criteria: ACMG Guidelines, 2015. Collection method: clinical testing. Allele origin: germline.
Comment: This variant is classified as likely benign based on ACMG/AMP sequence variant interpretation guidelines (Richards et al. 2015 PMID: 25741868, with internal and published modifications).

Labcorp Genetics (formerly Invitae), Labcorp
Classification: Likely benign for Charcot-Marie-Tooth disease type 4. Last evaluated: 2024-06-21. Review status: criteria provided, single submitter. Criteria: Invitae Variant Classification Sherloc (09022015). Collection method: clinical testing. Allele origin: germline.

Blueprint Genetics
Classification: Likely benign. Last evaluated: 2023-03-17. Review status: criteria provided, single submitter. Criteria: ACMG Guidelines, 2015. Collection method: clinical testing. Allele origin: germline.